The following is an entry in ClinVar:

GRCh38/hg38 1p36.33-36.32(chr1:844347-2627474)x1

Genes: ACAP3 (ArfGAP with coiled-coil, ankyrin repeat and PH domains 3; minus strand), AGRN (agrin; plus strand), ANKRD65 (ankyrin repeat domain 65; minus strand), ANKRD65-AS1 (ANKRD65 antisense RNA 1; plus strand), ATAD3A (ATPase family AAA domain containing 3A; plus strand) and 242 more. Cytogenetic location: 1p36.33-36.32.
Variant type: copy number loss.
Change: copy number 1 (one copy instead of two) of chr1:844,347-2,627,474 (1.78 Mb, GRCh38 coordinates, 1-based), cytogenetic band 1p36.33-36.32.
Identifiers: ClinVar variation 160923 (VCV000160923.1).

ClinVar aggregate classification (germline): Pathogenic. Review status: criteria provided, multiple submitters, no conflicts (2 of 4 stars). 2 submissions from 2 submitters: Pathogenic (2). Last evaluated 2011-08-12.

Submissions (2):

ISCA site 14
Classification: Pathogenic. Last evaluated: 2011-08-12. Review status: criteria provided, single submitter. Criteria: Kaminsky et al. (Genet Med. 2011). Collection method: clinical testing. Allele origin: unknown, de novo. Affected: yes. Observed: 2 variant alleles.
Comment: Copy number variation identified through the course of routine clinical cytogenomic testing in postnatal populations. Clinical assertions have been curated as described in Kaminsky et al. 2011.

ISCA site 4
Classification: Pathogenic. Last evaluated: 2011-08-12. Review status: criteria provided, single submitter. Criteria: Kaminsky et al. (Genet Med. 2011). Collection method: clinical testing. Allele origin: unknown. Affected: yes. Observed: 2 variant alleles.
Comment: the same text as in the submission from ISCA site 14 above.